The following is an entry in ClinVar:

NM_006445.4(PRPF8):c.3511G>A (p.Glu1171Lys)

Gene: PRPF8 (pre-mRNA processing factor 8; minus strand). Cytogenetic location: 17p13.3.
Variant type: single nucleotide variant.
Coding change: c.3511G>A on transcript NM_006445.4 (MANE Select); coding-DNA position 3511, G replaced by A.
Protein change: p.Glu1171Lys; replaces glutamic acid 1171 with lysine.
Molecular consequence: missense variant.
Genome position (GRCh38, 1-based): chr17:1,673,503, C>T on the plus strand (G>A on the coding strand, the complement: PRPF8 is on the minus strand). VCF-style: chr17-1673503-C-T. GRCh37 (hg19) VCF-style: chr17-1576797-C-T.
Other names: short protein forms E1171K.
Identifiers: ClinVar variation 3719966 (VCV003719966.2).

ClinVar aggregate classification (germline): Uncertain significance (1 of 4 stars; one submission).

Submission:

Labcorp Genetics (formerly Invitae), Labcorp
Classification: Uncertain significance. Last evaluated: 2024-10-06. Review status: criteria provided, single submitter. Criteria: Invitae Variant Classification Sherloc (09022015). Collection method: clinical testing. Allele origin: germline.
Comment: This sequence change replaces glutamic acid, which is acidic and polar, with lysine, which is basic and polar, at codon 1171 of the PRPF8 protein (p.Glu1171Lys). This variant is not present in population databases (gnomAD no frequency). This variant has not been reported in the literature in individuals affected with PRPF8-related conditions. Invitae Evidence Modeling of protein sequence and biophysical properties (such as structural, functional, and spatial information, amino acid conservation, physicochemical variation, residue mobility, and thermodynamic stability) indicates that this missense variant is not expected to disrupt PRPF8 protein function with a negative predictive value of 80%. In summary, the available evidence is currently insufficient to determine the role of this variant in disease. Therefore, it has been classified as a Variant of Uncertain Significance.